The following is an entry in ClinVar:

ClinVar aggregate classification (germline): Uncertain significance (1 of 4 stars; one submission).

Allele frequency attached by ClinVar (database versions not stated): gnomAD exomes below 0.00001; ExAC 0.00001.
gnomAD v4.1: 1 of 1,614,034 alleles (0.000062%); highest among the groups gnomAD compares: Admixed American, 0.0017%; no homozygotes.

Submission:

Labcorp Genetics (formerly Invitae), Labcorp
Classification: Uncertain significance. Last evaluated: 2024-02-24. Review status: criteria provided, single submitter. Criteria: Invitae Variant Classification Sherloc (09022015). Collection method: clinical testing. Allele origin: germline.
Comment: This sequence change replaces glycine, which is neutral and non-polar, with aspartic acid, which is acidic and polar, at codon 550 of the LIG1 protein (p.Gly550Asp). This variant is present in population databases (rs773090408, gnomAD 0.006%). This variant has not been reported in the literature in individuals affected with LIG1-related conditions. ClinVar contains an entry for this variant (Variation ID: 1921660). An algorithm developed to predict the effect of missense changes on protein structure and function (PolyPhen-2) suggests that this variant is likely to be disruptive. In summary, the available evidence is currently insufficient to determine the role of this variant in disease. Therefore, it has been classified as a Variant of Uncertain Significance.

NM_000234.3(LIG1):c.1649G>A (p.Gly550Asp)

Gene: LIG1 (DNA ligase 1; minus strand). Cytogenetic location: 19q13.33.
Variant type: single nucleotide variant.
Coding change: c.1649G>A on transcript NM_000234.3 (MANE Select); coding-DNA position 1649, G replaced by A.
Protein change: p.Gly550Asp; replaces glycine 550 with aspartic acid.
Molecular consequence: missense variant. On other transcripts: non-coding transcript variant (6).
Genome position (GRCh38, 1-based): chr19:48,133,058, C>T on the plus strand (G>A on the coding strand, the complement: LIG1 is on the minus strand). VCF-style: chr19-48133058-C-T. GRCh37 (hg19) VCF-style: chr19-48636315-C-T.
Other names: c.1556G>A, p.Gly519Asp (NM_001289063.2); c.1445G>A, p.Gly482Asp (NM_001289064.2); c.1646G>A, p.Gly549Asp (NM_001320970.2); c.1559G>A, p.Gly520Asp (NM_001320971.2); short protein forms G519D, G550D, G482D, G549D, G520D.
Identifiers: ClinVar variation 1921660 (VCV001921660.5), dbSNP rs773090408, ClinGen allele CA9546755.